The following is an entry in ClinVar:

ClinVar aggregate classification (germline): Uncertain significance (1 of 4 stars; one submission).

Submission:

Labcorp Genetics (formerly Invitae), Labcorp
Classification: Uncertain significance. Last evaluated: 2022-07-12. Review status: criteria provided, single submitter. Criteria: Invitae Variant Classification Sherloc (09022015). Collection method: clinical testing. Allele origin: germline.
Comment: This sequence change replaces threonine with isoleucine at codon 813 of the SEC24D protein (p.Thr813Ile). The threonine residue is moderately conserved and there is a moderate physicochemical difference between threonine and isoleucine. This variant is not present in population databases (gnomAD no frequency). This variant has not been reported in the literature in individuals affected with SEC24D-related conditions. ClinVar contains an entry for this variant (Variation ID: 1516859). Algorithms developed to predict the effect of missense changes on protein structure and function are either unavailable or do not agree on the potential impact of this missense change (SIFT: "Not Available"; PolyPhen-2: "Probably Damaging"; Align-GVGD: "Not Available"). In summary, the available evidence is currently insufficient to determine the role of this variant in disease. Therefore, it has been classified as a Variant of Uncertain Significance.

NM_014822.4(SEC24D):c.2438C>T (p.Thr813Ile)

Gene: SEC24D (SEC24 homolog D, COPII component; minus strand). Cytogenetic location: 4q26.
Variant type: single nucleotide variant.
Coding change: c.2438C>T on transcript NM_014822.4 (MANE Select); coding-DNA position 2438, C replaced by T.
Protein change: p.Thr813Ile; replaces threonine 813 with isoleucine.
Molecular consequence: missense variant.
Genome position (GRCh38, 1-based): chr4:118,738,319, G>A on the plus strand (C>T on the coding strand, the complement: SEC24D is on the minus strand). VCF-style: chr4-118738319-G-A. GRCh37 (hg19) VCF-style: chr4-119659474-G-A.
Other names: c.2441C>T, p.Thr814Ile (NM_001318066.2); short protein forms T813I, T814I.
Identifiers: ClinVar variation 1516859 (VCV001516859.6), dbSNP rs2110437854, ClinGen allele CA358005851.